The following is an entry in ClinVar:

ClinVar aggregate classification (germline): Uncertain significance. Review status: criteria provided, multiple submitters, no conflicts (2 of 4 stars). 2 submissions from 2 submitters: Uncertain significance (2). Last evaluated 2025-10-14.

Conditions:
Inborn genetic diseases. Identifiers: MedGen C0950123, MeSH D030342.

gnomAD v4.1: 3 of 1,196,178 alleles (0.00025%); highest among the groups gnomAD compares: South Asian, 0.0068%; 1 homozygote.

Submissions (2):

Ambry Genetics
Classification: Uncertain significance for Inborn genetic diseases. Last evaluated: 2025-10-14. Review status: criteria provided, single submitter. Criteria: Ambry Variant Classification Scheme 2023. Collection method: clinical testing. Allele origin: germline.

GeneDx
Classification: Uncertain significance. Last evaluated: 2020-10-28. Review status: criteria provided, single submitter. Criteria: GeneDx Variant Classification Process June 2021. Collection method: clinical testing. Allele origin: germline. Affected: yes.
Comment: Not observed in large population cohorts (Lek et al., 2016); In silico analysis supports that this missense variant does not alter protein structure/function; Has not been previously published as pathogenic or benign to our knowledge

NM_000836.4(GRIN2D):c.3743C>T (p.Pro1248Leu)

Gene: GRIN2D (glutamate ionotropic receptor NMDA type subunit 2D; plus strand). Cytogenetic location: 19q13.33.
Variant type: single nucleotide variant.
Coding change: c.3743C>T on transcript NM_000836.4 (MANE Select); coding-DNA position 3743, C replaced by T.
Protein change: p.Pro1248Leu; replaces proline 1248 with leucine.
Molecular consequence: missense variant.
Genome position (GRCh38, 1-based): chr19:48,443,669, C>T. VCF-style: chr19-48443669-C-T. GRCh37 (hg19) VCF-style: chr19-48946926-C-T.
Other names: short protein forms P1248L.
Identifiers: ClinVar variation 1313291 (VCV001313291.3), dbSNP rs1335157311, ClinGen allele CA406677965.
Genomic context (GRCh38, chr19:48,443,669, plus strand): 5'-GCCCGCGGTCGCACCCGCACCGCCCGCGGGCCTCGCACCGCACGCCCGCCGCCGCCGCGC[C>T]CCACCACCACAGGCACCGGCGCGCCGCTGGGGGCTGGGACCTCCCGCCGCCCGCGCCCAC-3'
Protein context (NP_000827.2, residues 1238-1258): ASHRTPAAAA[Pro1248Leu]HHHRHRRAAG